The following is an entry in ClinVar:

ClinVar aggregate classification (germline): Conflicting classifications of pathogenicity. Review status: criteria provided, conflicting classifications (1 of 4 stars). 2 submissions from 2 submitters: Uncertain significance (1); Likely benign (1). Last evaluated 2020-01-30.

Conditions:
Epilepsy, X-linked 1, with variable learning disabilities and behavior disorders. Also called: X-linked epilepsy-learning disabilities-behavior disorders syndrome. Identifiers: Orphanet 85294, MedGen C5774177, MONDO:0010339, OMIM 300491.

Allele frequency attached by ClinVar (database versions not stated): ExAC below 0.00001; gnomAD exomes 0.00001; TOPMed 0.00002.
gnomAD v4.1: 5 of 1,126,353 alleles (0.00044%); highest among the groups gnomAD compares: Non-Finnish European, 0.00058%; no homozygotes.

Submissions (2):

Centre for Mendelian Genomics, University Medical Centre Ljubljana
Classification: Uncertain significance for Epilepsy, X-linked 1, with variable learning disabilities and behavior disorders. Last evaluated: 2020-01-30. Review status: criteria provided, single submitter. Criteria: ACMG Guidelines, 2015. Collection method: clinical testing. Allele origin: unknown. Affected: yes.
Comment: This variant was classified as: Uncertain significance. The available evidence on this variant's pathogenicity is insufficient or conflicting. The following ACMG criteria were applied in classifying this variant: PM2,BP4.

Labcorp Genetics (formerly Invitae), Labcorp
Classification: Likely benign for Epilepsy, X-linked 1, with variable learning disabilities and behavior disorders. Last evaluated: 2019-08-28. Review status: criteria provided, single submitter. Criteria: Invitae Variant Classification Sherloc (09022015). Collection method: clinical testing. Allele origin: germline.

NM_006950.3(SYN1):c.1982+10C>A

Gene: SYN1 (synapsin I; minus strand). Cytogenetic location: Xp11.3.
Variant type: single nucleotide variant.
Coding change: c.1982+10C>A on transcript NM_006950.3 (MANE Select); 10 bases into the intron after coding-DNA position 1982, C replaced by A.
Molecular consequence: intron variant.
Genome position (GRCh38, 1-based): chrX:47,573,992, G>T on the plus strand (C>A on the coding strand, the complement: SYN1 is on the minus strand). VCF-style: chrX-47573992-G-T. GRCh37 (hg19) VCF-style: chrX-47433391-G-T.
Other names: c.1982+10C>A (NM_133499.2).
Identifiers: ClinVar variation 931353 (VCV000931353.13), dbSNP rs752321936, ClinGen allele CA10398339.
Genomic context (GRCh38, chrX:47,573,992, plus strand): 5'-GGCTGCTCTACTGGGGCAGCGGCCCGCTTTGTGAGCAGCAAGGCGAAGGCTGCTGTAGGG[G>T]TCCCCTTACTTGAGCTGGGGGTGCGGAGGTCCCCCTGCAGCGGCGGTGGCGGGTGGCGGC-3'